The following is an entry in ClinVar:

ClinVar aggregate classification (germline): Likely benign (1 of 4 stars; one submission).

Allele frequency attached by ClinVar (database versions not stated): TOPMed 0.00002; ExAC 0.00004; gnomAD 0.00004.
gnomAD v4.1: 30 of 1,614,066 alleles (0.0019%); highest among the groups gnomAD compares: Non-Finnish European, 0.0022%; no homozygotes.

Submission:

GeneDx
Classification: Likely benign. Last evaluated: 2016-02-02. Review status: criteria provided, single submitter. Criteria: GeneDx Variant Classification (06012015). Collection method: clinical testing. Allele origin: germline. Affected: yes.
Comment: This variant is considered likely benign or benign based on one or more of the following criteria: it is a conservative change, it occurs at a poorly conserved position in the protein, it is predicted to be benign by multiple in silico algorithms, and/or has population frequency not consistent with disease.

NM_002291.3(LAMB1):c.3444G>A (p.Thr1148=)

Gene: LAMB1 (laminin subunit beta 1; minus strand). Cytogenetic location: 7q31.1.
Variant type: single nucleotide variant.
Coding change: c.3444G>A on transcript NM_002291.3 (MANE Select); coding-DNA position 3444, G replaced by A.
Protein change: p.Thr1148=; no amino-acid change (threonine 1148 retained).
Molecular consequence: synonymous variant.
Genome position (GRCh38, 1-based): chr7:107,940,306, C>T on the plus strand (G>A on the coding strand, the complement: LAMB1 is on the minus strand). VCF-style: chr7-107940306-C-T. GRCh37 (hg19) VCF-style: chr7-107580751-C-T.
Identifiers: ClinVar variation 383337 (VCV000383337.1), dbSNP rs753168303, ClinGen allele CA4435308.